The following is an entry in ClinVar:

ClinVar aggregate classification (germline): Uncertain significance. Review status: criteria provided, multiple submitters, no conflicts (2 of 4 stars). 3 submissions from 3 submitters: Uncertain significance (3). Last evaluated 2026-02-24.

Conditions:
ACOX1-related disorder. Also called: ACOX1-related disorders; ACOX1-related condition.
Inborn genetic diseases. Identifiers: MedGen C0950123, MeSH D030342.
Acyl-CoA oxidase deficiency. Also called: STRAIGHT-CHAIN ACYL-CoA OXIDASE DEFICIENCY; Pseudoneonatal adrenoleukodystrophy; Peroxisomal acyl-CoA oxidase deficiency. Identifiers: Orphanet 2971, MedGen C1849678, MONDO:0009919, OMIM 264470. Disease mechanism: loss of function.

Allele frequency attached by ClinVar (database versions not stated): ExAC 0.00001; TOPMed 0.00001.
gnomAD v4.1: 13 of 1,613,976 alleles (0.00081%); highest among the groups gnomAD compares: East Asian, 0.0067%; no homozygotes.

Submissions (3):

PreventionGenetics, part of Exact Sciences
Classification: Uncertain significance for ACOX1-related condition. Last evaluated: 2026-02-24. Review status: criteria provided, single submitter. Criteria: ACMG Guidelines, 2015. Collection method: clinical testing. Allele origin: germline.
Comment: The ACOX1 c.619G>A variant is predicted to result in the amino acid substitution p.Val207Ile. To our knowledge, this variant has not been reported in the literature. This variant is reported in 0.011% of alleles in individuals of East Asian descent in gnomAD. At this time, the clinical significance of this variant is uncertain due to the absence of conclusive functional and genetic evidence.

Ambry Genetics
Classification: Uncertain significance for Inborn genetic diseases. Last evaluated: 2024-03-07. Review status: criteria provided, single submitter. Criteria: Ambry Variant Classification Scheme 2023. Collection method: clinical testing. Allele origin: germline.

Labcorp Genetics (formerly Invitae), Labcorp
Classification: Uncertain significance for Acyl-CoA oxidase deficiency. Last evaluated: 2022-02-24. Review status: criteria provided, single submitter. Criteria: Invitae Variant Classification Sherloc (09022015). Collection method: clinical testing. Allele origin: germline.
Comment: This sequence change replaces valine, which is neutral and non-polar, with isoleucine, which is neutral and non-polar, at codon 207 of the ACOX1 protein (p.Val207Ile). This variant is present in population databases (rs768790086, gnomAD 0.01%). This variant has not been reported in the literature in individuals affected with ACOX1-related conditions. Algorithms developed to predict the effect of missense changes on protein structure and function are either unavailable or do not agree on the potential impact of this missense change (SIFT: "Deleterious"; PolyPhen-2: "Benign"; Align-GVGD: "Class C25"). In summary, the available evidence is currently insufficient to determine the role of this variant in disease. Therefore, it has been classified as a Variant of Uncertain Significance.

NM_004035.7(ACOX1):c.619G>A (p.Val207Ile)

Gene: ACOX1 (acyl-CoA oxidase 1; minus strand). Cytogenetic location: 17q25.1.
Variant type: single nucleotide variant.
Coding change: c.619G>A on transcript NM_004035.7 (MANE Select); coding-DNA position 619, G replaced by A.
Protein change: p.Val207Ile; replaces valine 207 with isoleucine.
Molecular consequence: missense variant.
Genome position (GRCh38, 1-based): chr17:75,955,867, C>T on the plus strand (G>A on the coding strand, the complement: ACOX1 is on the minus strand). VCF-style: chr17-75955867-C-T. GRCh37 (hg19) VCF-style: chr17-73951948-C-T.
Other names: c.619G>A (NM_004035.6); c.505G>A, p.Val169Ile (NM_001185039.2); c.619G>A, p.Val207Ile (NM_007292.6); short protein forms V207I, V169I.
Identifiers: ClinVar variation 2057115 (VCV002057115.3), dbSNP rs768790086, ClinGen allele CA8776974.